The following is an entry in ClinVar:

ClinVar aggregate classification (germline): Uncertain significance (1 of 4 stars; one submission).

Conditions:
Intellectual developmental disorder with hypotonia, impaired speech, and dysmorphic facies (IDDHISD). Identifiers: MedGen C5561997, MONDO:0859197, OMIM 619556.

Submission:

3billion
Classification: Uncertain significance for Intellectual developmental disorder with hypotonia, impaired speech, and dysmorphic facies. Last evaluated: 2022-01-03. Review status: criteria provided, single submitter. Criteria: ACMG Guidelines, 2015. Collection method: clinical testing. Allele origin: germline. Affected: yes. Observed: 1 heterozygote.
Comment: The variant is not observed in the gnomAD v2.1.1 dataset (PM2_M). In silico tool predictions suggest damaging effect of the variant on gene or gene product (REVEL: 0.684, PP3_P). A missense variant is a common mechanism associated with Intellectual developmental disorder with hypotonia (PP2_P). Therefore, this variant is classified as uncertain significance according to the recommendation of ACMG/AMP guideline.

NM_001382241.1(TNPO2):c.1540C>T (p.Pro514Ser)

Gene: TNPO2 (transportin 2; minus strand). Cytogenetic location: 19p13.13.
Variant type: single nucleotide variant.
Coding change: c.1540C>T on transcript NM_001382241.1 (MANE Select); coding-DNA position 1540, C replaced by T.
Protein change: p.Pro514Ser; replaces proline 514 with serine.
Molecular consequence: missense variant. On other transcripts: non-coding transcript variant (6).
Genome position (GRCh38, 1-based): chr19:12,706,324, G>A on the plus strand (C>T on the coding strand, the complement: TNPO2 is on the minus strand). VCF-style: chr19-12706324-G-A. GRCh37 (hg19) VCF-style: chr19-12817138-G-A.
Other names: c.1540C>T, p.Pro514Ser (NM_001136195.2, NM_001136196.2, NM_001382236.1 and 7 more transcripts); short protein forms P514S.
Identifiers: ClinVar variation 1333482 (VCV001333482.1), dbSNP rs2145493311, ClinGen allele CA404241873.